The following is an entry in ClinVar:

NM_016156.6(MTMR2):c.718T>A (p.Tyr240Asn)

Gene: MTMR2 (myotubularin related protein 2; minus strand). Cytogenetic location: 11q21.
Variant type: single nucleotide variant.
Coding change: c.718T>A on transcript NM_016156.6 (MANE Select); coding-DNA position 718, T replaced by A.
Protein change: p.Tyr240Asn; replaces tyrosine 240 with asparagine.
Molecular consequence: missense variant.
Genome position (GRCh38, 1-based): chr11:95,850,686, A>T on the plus strand (T>A on the coding strand, the complement: MTMR2 is on the minus strand). VCF-style: chr11-95850686-A-T. GRCh37 (hg19) VCF-style: chr11-95583850-A-T.
Other names: c.502T>A, p.Tyr168Asn (NM_001243571.2, NM_201278.3, NM_201281.3); short protein forms Y240N, Y168N.
Identifiers: ClinVar variation 835096 (VCV000835096.9), dbSNP rs1863982879, ClinGen allele CA382425853.

ClinVar aggregate classification (germline): Uncertain significance (1 of 4 stars; one submission).

Conditions:
Charcot-Marie-Tooth disease type 4. Also called: Charcot-Marie-Tooth disease, type IV; Charcot-Marie-Tooth, Type 4. Identifiers: Orphanet 64749, MedGen C4082197, MONDO:0018995.

Submission:

Labcorp Genetics (formerly Invitae), Labcorp
Classification: Uncertain significance for Charcot-Marie-Tooth disease type 4. Last evaluated: 2019-05-15. Review status: criteria provided, single submitter. Criteria: Invitae Variant Classification Sherloc (09022015). Collection method: clinical testing. Allele origin: germline.
Comment: This sequence change replaces tyrosine with asparagine at codon 240 of the MTMR2 protein (p.Tyr240Asn). The tyrosine residue is highly conserved and there is a large physicochemical difference between tyrosine and asparagine. This variant is not present in population databases (ExAC no frequency). This variant has not been reported in the literature in individuals with MTMR2-related conditions. Algorithms developed to predict the effect of missense changes on protein structure and function (SIFT, PolyPhen-2, Align-GVGD) all suggest that this variant is likely to be disruptive, but these predictions have not been confirmed by published functional studies and their clinical significance is uncertain. In summary, the available evidence is currently insufficient to determine the role of this variant in disease. Therefore, it has been classified as a Variant of Uncertain Significance.